The following is an entry in ClinVar:

NM_001365999.1(SZT2):c.7255C>T (p.Arg2419Ter)

Gene: SZT2 (SZT2 subunit of KICSTOR complex; plus strand). Cytogenetic location: 1p34.2.
Variant type: single nucleotide variant.
Coding change: c.7255C>T on transcript NM_001365999.1 (MANE Select); coding-DNA position 7255, C replaced by T.
Protein change: p.Arg2419Ter; replaces arginine 2419 with a stop codon.
Molecular consequence: nonsense.
Genome position (GRCh38, 1-based): chr1:43,440,497, C>T. VCF-style: chr1-43440497-C-T. GRCh37 (hg19) VCF-style: chr1-43906168-C-T.
Other names: c.7084C>T, p.Arg2362Ter (NM_015284.4); short protein forms R2362*, R2419*.
Identifiers: ClinVar variation 2502598 (VCV002502598.4), dbSNP rs751581199, ClinGen allele CA810168.

ClinVar aggregate classification (germline): Pathogenic/Likely pathogenic. Review status: criteria provided, multiple submitters, no conflicts (2 of 4 stars). 2 submissions from 2 submitters: Pathogenic (1); Likely pathogenic (1). Last evaluated 2023-06-27.

Allele frequency attached by ClinVar (database versions not stated): ExAC 0.00002.
gnomAD v4.1: 6 of 1,607,434 alleles (0.00037%); highest among the groups gnomAD compares: Non-Finnish European, 0.00042%; no homozygotes.

Submissions (2):

Labcorp Genetics (formerly Invitae), Labcorp
Classification: Pathogenic. Last evaluated: 2023-06-27. Review status: criteria provided, single submitter. Criteria: Invitae Variant Classification Sherloc (09022015). Collection method: clinical testing. Allele origin: germline.
Comment: For these reasons, this variant has been classified as Pathogenic. ClinVar contains an entry for this variant (Variation ID: 2502598). This variant has not been reported in the literature in individuals affected with SZT2-related conditions. This variant is present in population databases (rs751581199, gnomAD 0.006%). This sequence change creates a premature translational stop signal (p.Arg2362*) in the SZT2 gene. It is expected to result in an absent or disrupted protein product. Loss-of-function variants in SZT2 are known to be pathogenic (PMID: 23932106, 27248490, 28556953).

GeneDx
Classification: Likely pathogenic. Last evaluated: 2022-11-21. Review status: criteria provided, single submitter. Criteria: GeneDx Variant Classification Process June 2021. Collection method: clinical testing. Allele origin: germline. Affected: yes.
Comment: Nonsense variant predicted to result in protein truncation or nonsense mediated decay in a gene for which loss of function is a known mechanism of disease; Not observed at significant frequency in large population cohorts (gnomAD); Has not been previously published as pathogenic or benign to our knowledge

Literature cited by the submitters: PubMed 23932106 (cited by Labcorp Genetics (formerly Invitae), Labcorp); PubMed 27248490 (cited by Labcorp Genetics (formerly Invitae), Labcorp); PubMed 28556953 (cited by Labcorp Genetics (formerly Invitae), Labcorp).